The following is an entry in ClinVar:

NM_000264.5(PTCH1):c.1729-3C>G

Genes: PTCH1 (patched 1; minus strand), LOC100507346 (uncharacterized LOC100507346; plus strand). Cytogenetic location: 9q22.32.
Variant type: single nucleotide variant.
Coding change: c.1729-3C>G on transcript NM_000264.5 (MANE Select); 3 bases into the intron before coding-DNA position 1729, C replaced by G.
Molecular consequence: intron variant. On other transcripts: non-coding transcript variant (1).
Genome position (GRCh38, 1-based): chr9:95,469,934, G>C on the plus strand (C>G on the coding strand, the complement: PTCH1 is on the minus strand). VCF-style: chr9-95469934-G-C. GRCh37 (hg19) VCF-style: chr9-98232216-G-C.
Other names: c.1729-3C>G (NM_000264.3); c.1726-3C>G (NM_001083603.3); c.1531-3C>G (NM_001083602.3); c.1573-3C>G (NM_001354918.2); c.1276-3C>G (NM_001083605.3, NM_001083604.3, NM_001083606.3 and 1 more transcripts).
Identifiers: ClinVar variation 4730793 (VCV004730793.2).

ClinVar aggregate classification (germline): Uncertain significance. Review status: criteria provided, multiple submitters, no conflicts (2 of 4 stars). 2 submissions from 2 submitters: Uncertain significance (2). Last evaluated 2026-02-19.

Conditions:
Gorlin syndrome. Also called: Nevoid Basal Cell Carcinoma Syndrome; Basal cell nevus syndrome. Identifiers: Orphanet 377, MedGen C0004779, MONDO:0007187.
Hereditary cancer-predisposing syndrome. Also called: Neoplastic Syndromes, Hereditary; Tumor predisposition; Hereditary Cancer Syndrome; Hereditary neoplastic syndrome. Identifiers: Orphanet 140162, MedGen C0027672, MeSH D009386, MONDO:0015356.

Submissions (2):

Ambry Genetics
Classification: Uncertain significance for Hereditary cancer-predisposing syndrome. Last evaluated: 2026-02-19. Review status: criteria provided, single submitter. Criteria: Ambry Variant Classification Scheme 2023. Collection method: clinical testing. Allele origin: germline.
Comment: The c.1729-3C>G intronic variant results from a C to G substitution 3 nucleotides upstream from coding exon 13 in the PTCH1 gene. This nucleotide position is not well conserved in available vertebrate species. In silico splice site analysis predicts that this alteration may weaken the native splice acceptor site and may result in the creation or strengthening of a novel splice acceptor site. Based on the available evidence, the clinical significance of this variant remains unclear.

Labcorp Genetics (formerly Invitae), Labcorp
Classification: Uncertain significance for Gorlin syndrome. Last evaluated: 2025-11-09. Review status: criteria provided, single submitter. Criteria: Invitae Variant Classification Sherloc (09022015). Collection method: clinical testing. Allele origin: germline.
Comment: This sequence change falls in intron 12 of the PTCH1 gene. It does not directly change the encoded amino acid sequence of the PTCH1 protein. It affects a nucleotide within the consensus splice site. This variant is not present in population databases (gnomAD no frequency). This variant has not been reported in the literature in individuals affected with PTCH1-related conditions. Variants that disrupt the consensus splice site are a relatively common cause of aberrant splicing (PMID: 17576681, 9536098). Algorithms developed to predict the effect of sequence changes on RNA splicing suggest that this variant may disrupt the consensus splice site. In summary, the available evidence is currently insufficient to determine the role of this variant in disease. Therefore, it has been classified as a Variant of Uncertain Significance.

Literature cited by the submitters: PubMed 17576681 (cited by Labcorp Genetics (formerly Invitae), Labcorp); PubMed 9536098 (cited by Labcorp Genetics (formerly Invitae), Labcorp).